The following is an entry in ClinVar:

ClinVar aggregate classification (germline): Uncertain significance (1 of 4 stars; one submission).

Allele frequency attached by ClinVar (database versions not stated): gnomAD exomes below 0.00001.
gnomAD v4.1: 1 of 1,609,458 alleles (0.000062%); highest among the groups gnomAD compares: Non-Finnish European, 0.000085%; no homozygotes.

Submission:

Ambry Genetics
Classification: Uncertain significance. Last evaluated: 2022-01-16. Review status: criteria provided, single submitter. Criteria: Ambry Variant Classification Scheme 2023. Collection method: clinical testing. Allele origin: germline.
Comment: The p.E372G variant (also known as c.1115A>G), located in coding exon 3 of the PALLD gene, results from an A to G substitution at nucleotide position 1115. The glutamic acid at codon 372 is replaced by glycine, an amino acid with similar properties. This amino acid position is conserved. In addition, the in silico prediction for this alteration is inconclusive. Since supporting evidence is limited at this time, the clinical significance of this alteration remains unclear.

NM_001166108.2(PALLD):c.1115A>G (p.Glu372Gly)

Gene: PALLD (palladin, cytoskeletal associated protein; plus strand). Cytogenetic location: 4q32.3.
Variant type: single nucleotide variant.
Coding change: c.1115A>G on transcript NM_001166108.2 (MANE Select); coding-DNA position 1115, A replaced by G.
Protein change: p.Glu372Gly; replaces glutamic acid 372 with glycine.
Molecular consequence: missense variant. On other transcripts: 5 prime UTR variant (1).
Genome position (GRCh38, 1-based): chr4:168,681,359, A>G. VCF-style: chr4-168681359-A-G. GRCh37 (hg19) VCF-style: chr4-169602510-A-G.
Other names: c.-32A>G (NM_001166109.2); c.1115A>G, p.Glu372Gly (NM_016081.4); short protein forms E372G.
Identifiers: ClinVar variation 1796087 (VCV001796087.2), dbSNP rs2531573904, ClinGen allele CA358794039.